The following is an entry in ClinVar:

NM_000397.4(CYBB):c.461del (p.Asn154fs)

Gene: CYBB (cytochrome b-245 beta chain; plus strand). Cytogenetic location: Xp21.1.
Variant type: Deletion.
Coding change: c.461del on transcript NM_000397.4 (MANE Select); coding-DNA position 461, one base deleted (A; older notation c.461delA).
Protein change: p.Asn154fs; shifts the reading frame from asparagine 154.
Molecular consequence: frameshift variant.
Genome position (GRCh38, 1-based): chrX:37,793,788, A deleted; the last of 2 consecutive A bases (chrX:37,793,787-37,793,788); deleting either gives the same sequence. VCF-style (leftmost placement, unchanged base first): chrX-37793786-CA-C. GRCh37 (hg19) VCF-style: chrX-37653039-CA-C.
Other names: c.461delA, p.Asn154Ilefs (NM_000397.3); short protein forms N154fs.
Identifiers: ClinVar variation 5017550 (VCV005017550.1).
Genomic context (GRCh38, chrX:37,793,786, plus strand): 5'-TTCTGATCCTTATTCAGTAGCACTCTCTGAACTTGGAGACAGGCAAAATGAAAGTTATCT[CA>C]ATTTTGCTCGAAAGAGAATAAAGGTAAGCCTCTCATTATCTGACTTAGATATTCTCTAGG-3'

ClinVar aggregate classification (germline): Pathogenic (1 of 4 stars; one submission).

Submission:

GeneDx
Classification: Pathogenic. Last evaluated: 2026-04-07. Review status: criteria provided, single submitter. Criteria: GeneDx Variant Classification Process June 2021. Collection method: clinical testing. Allele origin: germline.
Comment: Not observed at significant frequency in large population cohorts (gnomAD); Frameshift variant predicted to result in protein truncation or nonsense mediated decay in a gene for which loss of function is a known mechanism of disease; This variant is associated with the following publications: (PMID: 20729109)